The following is an entry in ClinVar:

ClinVar aggregate classification (germline): Pathogenic. Review status: criteria provided, multiple submitters, no conflicts (2 of 4 stars). 3 submissions from 3 submitters: Pathogenic (3). Last evaluated 2025-08-14.

Conditions:
Hereditary cancer-predisposing syndrome. Also called: Neoplastic Syndromes, Hereditary; Hereditary Cancer Syndrome; Hereditary neoplastic syndrome; Tumor predisposition. Identifiers: Orphanet 140162, MedGen C0027672, MeSH D009386, MONDO:0015356.
Familial adenomatous polyposis 1 (FAP1). Also called: POLYPOSIS, ADENOMATOUS INTESTINAL; FAMILIAL ADENOMATOUS POLYPOSIS 1, ATTENUATED. Identifiers: MedGen C2713442, MONDO:0021056, OMIM 175100. Disease mechanism: loss of function.

Submissions (3):

Ambry Genetics
Classification: Pathogenic for Hereditary cancer-predisposing syndrome. Last evaluated: 2025-08-14. Review status: criteria provided, single submitter. Criteria: Ambry Variant Classification Scheme 2023. Collection method: clinical testing. Allele origin: germline.
Comment: The p.Q695* variant (also known as c.2083C>T), located in coding exon 15 of the APC gene, results from a C to T substitution at nucleotide position 2083. This changes the amino acid from a glutamine to a stop codon within coding exon 15. This alteration occurs at the 3' terminus of theAPC gene, is not expected to trigger nonsense-mediated mRNA decay, and impacts the last 75% of the protein. However, premature stop codons are typically deleterious in nature and a significant portion of the protein is affected (Ambry internal data). This variant was reported in individual(s) with features consistent with familial adenomatous polyposis (FAP) (Hutter P et al. Hum Mutat, 2001 Dec;18:550; Kim DW et al. Hum Mutat, 2005 Sep;26:281; Ambry internal data). This variant is considered to be rare based on population cohorts in the Genome Aggregation Database (gnomAD). Based on the supporting evidence, this variant is interpreted as a disease-causing mutation.

Myriad Genetics, Inc.
Classification: Pathogenic for Familial adenomatous polyposis 1. Last evaluated: 2023-05-03. Review status: criteria provided, single submitter. Criteria: Myriad Autosomal Dominant, Autosomal Recessive and X-Linked Classification Criteria (2023). Collection method: clinical testing. Allele origin: unknown.
Comment: This variant is considered pathogenic. This variant creates a termination codon and is predicted to result in premature protein truncation.

Labcorp Genetics (formerly Invitae), Labcorp
Classification: Pathogenic for Familial adenomatous polyposis 1. Last evaluated: 2021-03-02. Review status: criteria provided, single submitter. Criteria: Invitae Variant Classification Sherloc (09022015). Collection method: clinical testing. Allele origin: germline.
Comment: This variant has been observed in individual(s) with clinical features of familial adenomatous polyposis syndrome (PMID: 11748858, 8252631,16088911, 20685668). This variant is not present in population databases (ExAC no frequency). This sequence change creates a premature translational stop signal (p.Gln695*) in the APC gene. While this is not anticipated to result in nonsense mediated decay, it is expected to disrupt the last 2149 amino acid(s) of the APC protein. This variant is expected to disrupt the EB1 and HDLG binding sites, which mediate interactions with the cytoskeleton (PMID: 15311282, 17293347). While functional studies have not been performed to directly test the effect on APC protein function, this suggests that disruption of the C-terminal portion of the protein is functionally important. A different truncation (p.Tyr2645Lysfs*14) that lies downstream of this variant has been determined to be pathogenic (PMID: 9824584, 1316610, 27081525, 8381579, 22135120, Invitae). This suggests that deletion of this region of the APC protein is causative of disease. For these reasons, this variant has been classified as Pathogenic.

Literature cited by the submitters: PubMed 11748858 (cited by Ambry Genetics and Labcorp Genetics (formerly Invitae), Labcorp); PubMed 16088911 (cited by Ambry Genetics and Labcorp Genetics (formerly Invitae), Labcorp); PubMed 8252631 (cited by Labcorp Genetics (formerly Invitae), Labcorp); PubMed 20685668 (cited by Labcorp Genetics (formerly Invitae), Labcorp); PubMed 15311282 (cited by Labcorp Genetics (formerly Invitae), Labcorp); PubMed 17293347 (cited by Labcorp Genetics (formerly Invitae), Labcorp); PubMed 9824584 (cited by Labcorp Genetics (formerly Invitae), Labcorp); PubMed 1316610 (cited by Labcorp Genetics (formerly Invitae), Labcorp); PubMed 27081525 (cited by Labcorp Genetics (formerly Invitae), Labcorp); PubMed 8381579 (cited by Labcorp Genetics (formerly Invitae), Labcorp); PubMed 22135120 (cited by Labcorp Genetics (formerly Invitae), Labcorp).

NM_000038.6(APC):c.2083C>T (p.Gln695Ter)

Gene: APC (APC regulator of Wnt signaling pathway; plus strand). Cytogenetic location: 5q22.2.
Variant type: single nucleotide variant.
Coding change: c.2083C>T on transcript NM_000038.6 (MANE Select); coding-DNA position 2083, C replaced by T.
Protein change: p.Gln695Ter; replaces glutamine 695 with a stop codon.
Molecular consequence: nonsense.
Genome position (GRCh38, 1-based): chr5:112,837,677, C>T. VCF-style: chr5-112837677-C-T. GRCh37 (hg19) VCF-style: chr5-112173374-C-T.
Other names: c.2083C>T (NM_000038.5); c.2083C>T, p.Gln695Ter (NM_001127510.3, NM_001354895.2); c.2029C>T, p.Gln677Ter (NM_001127511.3); c.2137C>T, p.Gln713Ter (NM_001354896.2); c.2113C>T, p.Gln705Ter (NM_001354897.2); c.2008C>T, p.Gln670Ter (NM_001354898.2); c.1999C>T, p.Gln667Ter (NM_001354899.2); c.1960C>T, p.Gln654Ter (NM_001354900.2); and 6 more; short protein forms Q569*, Q636*, Q654*, Q667*, Q695*, Q713*, Q594*, Q604*.
Identifiers: ClinVar variation 1458215 (VCV001458215.10), dbSNP rs1439772141, ClinGen allele CA16025879.
Genomic context (GRCh38, chr5:112,837,677, plus strand): 5'-ACAATAGTCAGTAATGCATGTGGAACTTTGTGGAATCTCTCAGCAAGAAATCCTAAAGAC[C>T]AGGAAGCATTATGGGACATGGGGGCAGTTAGCATGCTCAAGAACCTCATTCATTCAAAGC-3'